The following is an entry in ClinVar:

NM_000836.4(GRIN2D):c.3263G>A (p.Gly1088Glu)

Gene: GRIN2D (glutamate ionotropic receptor NMDA type subunit 2D; plus strand). Cytogenetic location: 19q13.33.
Variant type: single nucleotide variant.
Coding change: c.3263G>A on transcript NM_000836.4 (MANE Select); coding-DNA position 3263, G replaced by A.
Protein change: p.Gly1088Glu; replaces glycine 1088 with glutamic acid.
Molecular consequence: missense variant.
Genome position (GRCh38, 1-based): chr19:48,443,189, G>A. VCF-style: chr19-48443189-G-A. GRCh37 (hg19) VCF-style: chr19-48946446-G-A.
Other names: short protein forms G1088E.
Identifiers: ClinVar variation 1473705 (VCV001473705.8), dbSNP rs1185822464, ClinGen allele CA406675269.

ClinVar aggregate classification (germline): Uncertain significance (1 of 4 stars; one submission).

Allele frequency attached by ClinVar (database versions not stated): gnomAD 0.00002; gnomAD exomes 0.00003.
gnomAD v4.1: 30 of 1,128,848 alleles (0.0027%); highest among the groups gnomAD compares: African/African-American, 0.0033%; no homozygotes.

Submission:

Labcorp Genetics (formerly Invitae), Labcorp
Classification: Uncertain significance. Last evaluated: 2024-10-24. Review status: criteria provided, single submitter. Criteria: Invitae Variant Classification Sherloc (09022015). Collection method: clinical testing. Allele origin: germline.
Comment: This sequence change replaces glycine, which is neutral and non-polar, with glutamic acid, which is acidic and polar, at codon 1088 of the GRIN2D protein (p.Gly1088Glu). This variant is present in population databases (no rsID available, gnomAD 0.01%). This variant has not been reported in the literature in individuals affected with GRIN2D-related conditions. ClinVar contains an entry for this variant (Variation ID: 1473705). Invitae Evidence Modeling of protein sequence and biophysical properties (such as structural, functional, and spatial information, amino acid conservation, physicochemical variation, residue mobility, and thermodynamic stability) indicates that this missense variant is not expected to disrupt GRIN2D protein function with a negative predictive value of 95%. In summary, the available evidence is currently insufficient to determine the role of this variant in disease. Therefore, it has been classified as a Variant of Uncertain Significance.